The following is an entry in ClinVar:

ClinVar aggregate classification (germline): Uncertain significance (1 of 4 stars; one submission).

Allele frequency attached by ClinVar (database versions not stated): gnomAD exomes 0.00003; gnomAD 0.00004; TOPMed 0.00004; ESP Exome Variant Server 0.00008.
gnomAD v4.1: 45 of 1,613,968 alleles (0.0028%); highest among the groups gnomAD compares: Non-Finnish European, 0.0037%; no homozygotes.

Submission:

Labcorp Genetics (formerly Invitae), Labcorp
Classification: Uncertain significance. Last evaluated: 2020-07-29. Review status: criteria provided, single submitter. Criteria: Invitae Variant Classification Sherloc (09022015). Collection method: clinical testing. Allele origin: germline.
Comment: In summary, the available evidence is currently insufficient to determine the role of this variant in disease. Therefore, it has been classified as a Variant of Uncertain Significance. Algorithms developed to predict the effect of missense changes on protein structure and function (SIFT, PolyPhen-2, Align-GVGD) all suggest that this variant is likely to be disruptive, but these predictions have not been confirmed by published functional studies and their clinical significance is uncertain. This variant has not been reported in the literature in individuals with ADGRA3-related conditions. This variant is present in population databases (rs371121360, ExAC 0.003%). This sequence change replaces alanine with valine at codon 1123 of the ADGRA3 protein (p.Ala1123Val). The alanine residue is highly conserved and there is a small physicochemical difference between alanine and valine.

NM_145290.4(ADGRA3):c.3368C>T (p.Ala1123Val)

Gene: ADGRA3 (adhesion G protein-coupled receptor A3; minus strand). Cytogenetic location: 4p15.2.
Variant type: single nucleotide variant.
Coding change: c.3368C>T on transcript NM_145290.4 (MANE Select); coding-DNA position 3368, C replaced by T.
Protein change: p.Ala1123Val; replaces alanine 1123 with valine.
Molecular consequence: missense variant.
Genome position (GRCh38, 1-based): chr4:22,388,303, G>A on the plus strand (C>T on the coding strand, the complement: ADGRA3 is on the minus strand). VCF-style: chr4-22388303-G-A. GRCh37 (hg19) VCF-style: chr4-22389926-G-A.
Other names: short protein forms A1123V.
Identifiers: ClinVar variation 1015817 (VCV001015817.8), dbSNP rs371121360, ClinGen allele CA2873385.